The following is an entry in ClinVar:

ClinVar aggregate classification (germline): Uncertain significance. Review status: criteria provided, multiple submitters, no conflicts (2 of 4 stars). 2 submissions from 2 submitters: Uncertain significance (2). Last evaluated 2023-03-28.

Conditions:
Usher syndrome type 3B. Also called: USHER SYNDROME, TYPE IIIB. Identifiers: MedGen C3281066, MONDO:0013788, OMIM 614504.

Allele frequency attached by ClinVar (database versions not stated): gnomAD exomes 0.00001; TOPMed 0.00001.
gnomAD v4.1: 14 of 1,613,528 alleles (0.00087%); highest among the groups gnomAD compares: East Asian, 0.029%; no homozygotes.

Submissions (2):

Labcorp Genetics (formerly Invitae), Labcorp
Classification: Uncertain significance for Usher syndrome type 3B. Last evaluated: 2023-03-28. Review status: criteria provided, single submitter. Criteria: Invitae Variant Classification Sherloc (09022015). Collection method: clinical testing. Allele origin: germline.
Comment: In summary, the available evidence is currently insufficient to determine the role of this variant in disease. Therefore, it has been classified as a Variant of Uncertain Significance. ClinVar contains an entry for this variant (Variation ID: 946055). This variant has not been reported in the literature in individuals affected with HARS-related conditions. This variant is not present in population databases (gnomAD no frequency). This sequence change creates a premature translational stop signal (p.Gln417*) in the HARS gene. It is expected to result in an absent or disrupted protein product. However, the current clinical and genetic evidence is not sufficient to establish whether loss-of-function variants in HARS cause disease.

Ambry Genetics
Classification: Uncertain significance. Last evaluated: 2020-10-14. Review status: criteria provided, single submitter. Criteria: Ambry Variant Classification Scheme 2023. Collection method: clinical testing. Allele origin: germline.
Comment: The p.Q417* variant (also known as c.1249C>T), located in coding exon 11 of the HARS gene, results from a C to T substitution at nucleotide position 1249. This changes the amino acid from a glutamine to a stop codon within coding exon 11. This alteration is expected to result in premature protein truncation or nonsense-mediated mRNA decay. However, loss of function of HARS has not been clearly established as a mechanism of disease, and loss of function alterations in this region of the HARS gene are more common in population databases than expected for likely pathogenic/disease-causing variants. Since supporting evidence is limited at this time, the clinical significance of this alteration remains unclear.

NM_002109.6(HARS1):c.1249C>T (p.Gln417Ter)

Gene: HARS1 (histidyl-tRNA synthetase 1; minus strand). Cytogenetic location: 5q31.3.
Variant type: single nucleotide variant.
Coding change: c.1249C>T on transcript NM_002109.6 (MANE Select); coding-DNA position 1249, C replaced by T.
Protein change: p.Gln417Ter; replaces glutamine 417 with a stop codon.
Molecular consequence: nonsense.
Genome position (GRCh38, 1-based): chr5:140,675,079, G>A on the plus strand (C>T on the coding strand, the complement: HARS1 is on the minus strand). VCF-style: chr5-140675079-G-A. GRCh37 (hg19) VCF-style: chr5-140054664-G-A.
Other names: c.1129C>T, p.Gln377Ter (NM_001258040.3); c.1189C>T, p.Gln397Ter (NM_001258041.3); c.1069C>T, p.Gln357Ter (NM_001258042.3); c.1027C>T, p.Gln343Ter (NM_001289092.2); c.907C>T, p.Gln303Ter (NM_001289093.2); c.1162C>T, p.Gln388Ter (NM_001289094.2); short protein forms Q303*, Q343*, Q377*, Q357*, Q388*, Q397*, Q417*.
Identifiers: ClinVar variation 946055 (VCV000946055.11), dbSNP rs866572603, ClinGen allele CA128376790.
Genomic context (GRCh38, chr5:140,675,079, plus strand): 5'-TGATCCCAGCATCCCACAGTTCTGAGACAAGCTTTAGTCTTTCCTCTAGCAGCTTCTTCT[G>A]TGCAGATGCCACAAGCACCTGTGTCTCCGTGGTCCGTATCTTCTCCTCCAAAGCCTGGGG-3'